The following is an entry in ClinVar:

NM_001364905.1(LRBA):c.5922T>C (p.Ser1974=)

Gene: LRBA (LPS responsive beige-like anchor protein; minus strand). Cytogenetic location: 4q31.3.
Variant type: single nucleotide variant.
Coding change: c.5922T>C on transcript NM_001364905.1 (MANE Select); coding-DNA position 5922, T replaced by C.
Protein change: p.Ser1974=; no amino-acid change (serine 1974 retained).
Molecular consequence: synonymous variant.
Genome position (GRCh38, 1-based): chr4:150,599,131, A>G on the plus strand (T>C on the coding strand, the complement: LRBA is on the minus strand). VCF-style: chr4-150599131-A-G. GRCh37 (hg19) VCF-style: chr4-151520283-A-G.
Other names: c.5922T>C, p.Ser1974= (NM_001199282.3, NM_001367550.1, NM_006726.5).
Identifiers: ClinVar variation 953223 (VCV000953223.7), dbSNP rs778753560, ClinGen allele CA3102299.

ClinVar aggregate classification (germline): Uncertain significance (1 of 4 stars; one submission).

Conditions:
Combined immunodeficiency due to LRBA deficiency. Also called: Common variable immunodeficiency 8, with autoimmunity. Identifiers: Orphanet 445018, MedGen C3553512, MONDO:0013863, OMIM 614700.

Allele frequency attached by ClinVar (database versions not stated): gnomAD exomes below 0.00001 and 0.00001; ExAC 0.00001; gnomAD 0.00001.
gnomAD v4.1: 5 of 1,613,858 alleles (0.00031%); highest among the groups gnomAD compares: East Asian, 0.0022%; no homozygotes.

Submission:

Labcorp Genetics (formerly Invitae), Labcorp
Classification: Uncertain significance for Combined immunodeficiency due to LRBA deficiency. Last evaluated: 2019-11-15. Review status: criteria provided, single submitter. Criteria: Invitae Variant Classification Sherloc (09022015). Collection method: clinical testing. Allele origin: germline.
Comment: In summary, the available evidence is currently insufficient to determine the role of this variant in disease. Therefore, it has been classified as a Variant of Uncertain Significance. Algorithms developed to predict the effect of sequence changes on RNA splicing suggest that this variant is not likely to affect RNA splicing, but this prediction has not been confirmed by published transcriptional studies. This variant has not been reported in the literature in individuals with LRBA-related conditions. This variant is present in population databases (rs778753560, ExAC 0.002%). This sequence change affects codon 1974 of the LRBA mRNA. It is a 'silent' change, meaning that it does not change the encoded amino acid sequence of the LRBA protein.